The following is an entry in ClinVar:

ClinVar aggregate classification (germline): Uncertain significance (1 of 4 stars; one submission).

Conditions:
Bethlem myopathy 1A. Also called: Bethlem myopathy 1; Bethlem Muscular Dystrophy; MYOPATHY, BENIGN CONGENITAL, WITH CONTRACTURES. Identifiers: Orphanet 610, MedGen CN029274, MONDO:0024530, OMIM 158810.

Submission:

Labcorp Genetics (formerly Invitae), Labcorp
Classification: Uncertain significance for Bethlem myopathy 1A. Last evaluated: 2021-05-30. Review status: criteria provided, single submitter. Criteria: Invitae Variant Classification Sherloc (09022015). Collection method: clinical testing. Allele origin: germline.
Comment: Advanced modeling of protein sequence and biophysical properties (such as structural, functional, and spatial information, amino acid conservation, physicochemical variation, residue mobility, and thermodynamic stability) performed at Invitae indicates that this missense variant is not expected to disrupt COL6A3 protein function. In summary, the available evidence is currently insufficient to determine the role of this variant in disease. Therefore, it has been classified as a Variant of Uncertain Significance. This sequence change replaces aspartic acid with valine at codon 491 of the COL6A3 protein (p.Asp491Val). The aspartic acid residue is moderately conserved and there is a large physicochemical difference between aspartic acid and valine. This variant is not present in population databases (ExAC no frequency). This variant has not been reported in the literature in individuals with COL6A3-related conditions.

NM_004369.4(COL6A3):c.1472A>T (p.Asp491Val)

Gene: COL6A3 (collagen type VI alpha 3 chain; minus strand). Cytogenetic location: 2q37.3.
Variant type: single nucleotide variant.
Coding change: c.1472A>T on transcript NM_004369.4 (MANE Select); coding-DNA position 1472, A replaced by T.
Protein change: p.Asp491Val; replaces aspartic acid 491 with valine.
Molecular consequence: missense variant.
Genome position (GRCh38, 1-based): chr2:237,381,340, T>A on the plus strand (A>T on the coding strand, the complement: COL6A3 is on the minus strand). VCF-style: chr2-237381340-T-A. GRCh37 (hg19) VCF-style: chr2-238289983-T-A.
Other names: c.251A>T, p.Asp84Val (NM_057164.5, NM_057166.5); c.854A>T, p.Asp285Val (NM_057165.5, NM_057167.4); short protein forms D285V, D491V, D84V.
Identifiers: ClinVar variation 1494767 (VCV001494767.8), dbSNP rs2106370266, ClinGen allele CA351217994.